The following is an entry in ClinVar:

NM_000245.4(MET):c.1766G>T (p.Gly589Val)

Gene: MET (MET proto-oncogene, receptor tyrosine kinase; plus strand). Cytogenetic location: 7q31.2.
Variant type: single nucleotide variant.
Coding change: c.1766G>T on transcript NM_000245.4 (MANE Select); coding-DNA position 1766, G replaced by T.
Protein change: p.Gly589Val; replaces glycine 589 with valine.
Molecular consequence: missense variant.
Genome position (GRCh38, 1-based): chr7:116,755,419, G>T. VCF-style: chr7-116755419-G-T. GRCh37 (hg19) VCF-style: chr7-116395473-G-T.
Other names: c.1766G>T, p.Gly589Val (NM_001127500.3, NM_001324401.3); c.476G>T, p.Gly159Val (NM_001324402.2); short protein forms G159V, G589V.
Identifiers: ClinVar variation 962813 (VCV000962813.14), dbSNP rs943753621, ClinGen allele CA164891615.
Genomic context (GRCh38, chr7:116,755,419, plus strand): 5'-TCCCAAATAGTGCACCCCTTGAAGGAGGGACAAGGCTGACCATATGTGGCTGGGACTTTG[G>T]ATTTCGGAGGAATAATAAATTTGATTTAAAGAAAACTAGAGTTCTCCTTGGAAATGAGAG-3'
Protein context (NP_000236.2, residues 579-599): TRLTICGWDF[Gly589Val]FRRNNKFDLK

ClinVar aggregate classification (germline): Uncertain significance. Review status: criteria provided, multiple submitters, no conflicts (2 of 4 stars). 3 submissions from 3 submitters: Uncertain significance (3). Last evaluated 2026-01-27.

Conditions:
Renal cell carcinoma. Identifiers: Orphanet 217071, MedGen C0007134, MeSH D002292, MONDO:0005086, HP:0005584.
Hereditary cancer-predisposing syndrome. Also called: Tumor predisposition; Hereditary neoplastic syndrome; Hereditary Cancer Syndrome; Neoplastic Syndromes, Hereditary. Identifiers: Orphanet 140162, MedGen C0027672, MeSH D009386, MONDO:0015356.

Allele frequency attached by ClinVar (database versions not stated): gnomAD 0.00002; TOPMed 0.00002.
gnomAD v4.1: 4 of 1,613,950 alleles (0.00025%); highest among the groups gnomAD compares: Admixed American, 0.005%; no homozygotes.

Submissions (3):

Women's Health and Genetics/Laboratory Corporation of America, LabCorp
Classification: Uncertain significance. Last evaluated: 2026-01-27. Review status: criteria provided, single submitter. Criteria: LabCorp Variant Classification Summary - May 2015. Collection method: clinical testing. Allele origin: germline.
Comment: Variant summary: MET c.1766G>T (p.Gly589Val) results in a non-conservative amino acid change in the encoded protein sequence. Algorithms developed to predict the effect of missense changes on protein structure and function are either unavailable or do not agree on the potential impact of this missense change. The variant was absent in 249388 control chromosomes. The available data on variant occurrences in the general population are insufficient to allow any conclusion about variant significance. To our knowledge, no occurrence of c.1766G>T in individuals affected with MET-related conditions and no experimental evidence demonstrating its impact on protein function have been reported. ClinVar contains an entry for this variant (Variation ID: 962813). Based on the evidence outlined above, the variant was classified as uncertain significance.

Labcorp Genetics (formerly Invitae), Labcorp
Classification: Uncertain significance for Renal cell carcinoma. Last evaluated: 2024-12-10. Review status: criteria provided, single submitter. Criteria: Invitae Variant Classification Sherloc (09022015). Collection method: clinical testing. Allele origin: germline.
Comment: This sequence change replaces glycine, which is neutral and non-polar, with valine, which is neutral and non-polar, at codon 589 of the MET protein (p.Gly589Val). This variant is not present in population databases (gnomAD no frequency). This variant has not been reported in the literature in individuals affected with MET-related conditions. ClinVar contains an entry for this variant (Variation ID: 962813). Invitae Evidence Modeling of protein sequence and biophysical properties (such as structural, functional, and spatial information, amino acid conservation, physicochemical variation, residue mobility, and thermodynamic stability) indicates that this missense variant is not expected to disrupt MET protein function with a negative predictive value of 80%. In summary, the available evidence is currently insufficient to determine the role of this variant in disease. Therefore, it has been classified as a Variant of Uncertain Significance.

Ambry Genetics
Classification: Uncertain significance for Hereditary cancer-predisposing syndrome. Last evaluated: 2024-06-27. Review status: criteria provided, single submitter. Criteria: Ambry Variant Classification Scheme 2023. Collection method: clinical testing. Allele origin: germline.
Comment: The p.G589V variant (also known as c.1766G>T), located in coding exon 5 of the MET gene, results from a G to T substitution at nucleotide position 1766. The glycine at codon 589 is replaced by valine, an amino acid with dissimilar properties. This amino acid position is highly conserved in available vertebrate species. In addition, the in silico prediction for this alteration is inconclusive. Since supporting evidence is limited at this time, the clinical significance of this alteration remains unclear.